The following is an entry in ClinVar:

NM_145290.4(ADGRA3):c.2645G>A (p.Gly882Asp)

Gene: ADGRA3 (adhesion G protein-coupled receptor A3; minus strand). Cytogenetic location: 4p15.2.
Variant type: single nucleotide variant.
Coding change: c.2645G>A on transcript NM_145290.4 (MANE Select); coding-DNA position 2645, G replaced by A.
Protein change: p.Gly882Asp; replaces glycine 882 with aspartic acid.
Molecular consequence: missense variant.
Genome position (GRCh38, 1-based): chr4:22,389,166, C>T on the plus strand (G>A on the coding strand, the complement: ADGRA3 is on the minus strand). VCF-style: chr4-22389166-C-T. GRCh37 (hg19) VCF-style: chr4-22390789-C-T.
Other names: c.2645G>A (NM_145290.2); short protein forms G882D.
Identifiers: ClinVar variation 955283 (VCV000955283.10), dbSNP rs757380056, ClinGen allele CA93481860.
Genomic context (GRCh38, chr4:22,389,166, plus strand): 5'-CTGCCGTAATTCTTAATGTTCGCTGCTGCAGTTATGCCGCAAACAATGATGGGGATACCA[C>T]CACCAATCAGGTAAAATCTAGAAGGAGGAATCACAGGAAAAACCACTCATCATTCCATTT-3'
Protein context (NP_660333.2, residues 872-892): RPMLRFYLIG[Gly882Asp]GIPIIVCGIT

ClinVar aggregate classification (germline): Uncertain significance. Review status: criteria provided, multiple submitters, no conflicts (2 of 4 stars). 2 submissions from 2 submitters: Uncertain significance (2). Last evaluated 2025-05-13.

Allele frequency attached by ClinVar (database versions not stated): TOPMed 0.00003.
gnomAD v4.1: 21 of 1,612,786 alleles (0.0013%); highest among the groups gnomAD compares: Non-Finnish European, 0.0017%; no homozygotes.

Submissions (2):

Ambry Genetics
Classification: Uncertain significance. Last evaluated: 2025-05-13. Review status: criteria provided, single submitter. Criteria: Ambry Variant Classification Scheme 2023. Collection method: clinical testing. Allele origin: germline.

Labcorp Genetics (formerly Invitae), Labcorp
Classification: Uncertain significance. Last evaluated: 2025-04-28. Review status: criteria provided, single submitter. Criteria: Invitae Variant Classification Sherloc (09022015). Collection method: clinical testing. Allele origin: germline.
Comment: This sequence change replaces glycine, which is neutral and non-polar, with aspartic acid, which is acidic and polar, at codon 882 of the ADGRA3 protein (p.Gly882Asp). This variant is present in population databases (no rsID available, gnomAD 0.0009%). This variant has not been reported in the literature in individuals affected with ADGRA3-related conditions. ClinVar contains an entry for this variant (Variation ID: 955283). An algorithm developed to predict the effect of missense changes on protein structure and function (PolyPhen-2) suggests that this variant is likely to be disruptive. In summary, the available evidence is currently insufficient to determine the role of this variant in disease. Therefore, it has been classified as a Variant of Uncertain Significance.